The following is an entry in ClinVar:

NM_021076.4(NEFH):c.141C>A (p.Phe47Leu)

Gene: NEFH (neurofilament heavy chain; plus strand). Cytogenetic location: 22q12.2.
Variant type: single nucleotide variant.
Coding change: c.141C>A on transcript NM_021076.4 (MANE Select); coding-DNA position 141, C replaced by A.
Protein change: p.Phe47Leu; replaces phenylalanine 47 with leucine.
Molecular consequence: missense variant.
Genome position (GRCh38, 1-based): chr22:29,480,403, C>A. VCF-style: chr22-29480403-C-A. GRCh37 (hg19) VCF-style: chr22-29876392-C-A.
Other names: short protein forms F47L.
Identifiers: ClinVar variation 4807463 (VCV004807463.1).

ClinVar aggregate classification (germline): Uncertain significance (1 of 4 stars; one submission).

Submission:

Labcorp Genetics (formerly Invitae), Labcorp
Classification: Uncertain significance. Last evaluated: 2025-10-21. Review status: criteria provided, single submitter. Criteria: Invitae Variant Classification Sherloc (09022015). Collection method: clinical testing. Allele origin: germline.
Comment: This sequence change replaces phenylalanine, which is neutral and non-polar, with leucine, which is neutral and non-polar, at codon 47 of the NEFH protein (p.Phe47Leu). This variant is not present in population databases (gnomAD no frequency). This variant has not been reported in the literature in individuals affected with NEFH-related conditions. Invitae Evidence Modeling of protein sequence and biophysical properties (such as structural, functional, and spatial information, amino acid conservation, physicochemical variation, residue mobility, and thermodynamic stability) indicates that this missense variant is not expected to disrupt NEFH protein function with a negative predictive value of 95%. In summary, the available evidence is currently insufficient to determine the role of this variant in disease. Therefore, it has been classified as a Variant of Uncertain Significance.